The following is an entry in ClinVar:

ClinVar aggregate classification (germline): Uncertain significance. Review status: criteria provided, multiple submitters, no conflicts (2 of 4 stars). 8 submissions from 8 submitters: Uncertain significance (8). Last evaluated 2026-04-22.

Conditions:
Differences in sex development.
Wilms tumor 1 (WT1). Also called: Wilms tumor, somatic. Identifiers: Orphanet 654, MedGen CN033288, MONDO:0008679, OMIM 194070.
11p partial monosomy syndrome (WAGR). Also called: CHROMOSOME 11p13 DELETION SYNDROME; WAGR syndrome; WAGR Spectrum Disorder; WAGR Complex. Identifiers: Orphanet 893, MedGen C0206115, MONDO:0008681, OMIM 194072.
Frasier syndrome. Identifiers: Orphanet 347, MedGen C0950122, MeSH D052159, MONDO:0007635, OMIM 136680.
Drash syndrome (DDS). Also called: WILMS TUMOR AND PSEUDO- OR TRUE HERMAPHRODITISM; NEPHROPATHY, WILMS TUMOR, AND GENITAL ANOMALIES. Identifiers: Orphanet 220, MedGen C0950121, MONDO:0008682, OMIM 194080.
WT1-related disorder. Also called: WT1-related disorders. Identifiers: MedGen CN377814.
Inborn genetic diseases. Identifiers: MedGen C0950123, MeSH D030342.

Allele frequency attached by ClinVar (database versions not stated): gnomAD exomes below 0.00001; TOPMed 0.00001.

Submissions (8):

NHS Central & South Genomic Laboratory Hub
Classification: Uncertain significance for Differences in sex development. Last evaluated: 2026-04-22. Review status: criteria provided, single submitter. Criteria: ACMG Guidelines, 2015. Collection method: clinical testing. Allele origin: germline. Affected: yes.

Ambry Genetics
Classification: Uncertain significance for Inborn genetic diseases. Last evaluated: 2025-08-18. Review status: criteria provided, single submitter. Criteria: Ambry Variant Classification Scheme 2023. Collection method: clinical testing. Allele origin: germline.
Comment: The p.G229R variant (also known as c.685G>C), located in coding exon 2 of the WT1 gene, results from a G to C substitution at nucleotide position 685. The glycine at codon 229 is replaced by arginine, an amino acid with dissimilar properties. This amino acid position is highly conserved in available vertebrate species. In addition, the in silico prediction for this alteration is inconclusive. Based on the available evidence, the clinical significance of this variant remains unclear.

PreventionGenetics, part of Exact Sciences
Classification: Uncertain significance for WT1-related condition. Last evaluated: 2025-05-29. Review status: criteria provided, single submitter. Criteria: ACMG Guidelines, 2015. Collection method: clinical testing. Allele origin: germline.
Comment: The WT1 c.685G>C variant is predicted to result in the amino acid substitution p.Gly229Arg. To our knowledge, this variant has not been reported in the literature. This variant is reported in 0.00088% of alleles in individuals of European (Non-Finnish) descent in gnomAD. At this time, the clinical significance of this variant is uncertain due to the absence of conclusive functional and genetic evidence.

Labcorp Genetics (formerly Invitae), Labcorp
Classification: Uncertain significance for Wilms tumor 1; Drash syndrome; 11p partial monosomy syndrome; Frasier syndrome. Last evaluated: 2025-05-05. Review status: criteria provided, single submitter. Criteria: Invitae Variant Classification Sherloc (09022015). Collection method: clinical testing. Allele origin: germline.
Comment: This sequence change replaces glycine, which is neutral and non-polar, with arginine, which is basic and polar, at codon 229 of the WT1 protein (p.Gly229Arg). This variant is present in population databases (no rsID available, gnomAD 0.0009%). This variant has not been reported in the literature in individuals affected with WT1-related conditions. ClinVar contains an entry for this variant (Variation ID: 476716). Invitae Evidence Modeling of protein sequence and biophysical properties (such as structural, functional, and spatial information, amino acid conservation, physicochemical variation, residue mobility, and thermodynamic stability) has been performed for this missense variant. However, the output from this modeling did not meet the statistical confidence thresholds required to predict the impact of this variant on WT1 protein function. In summary, the available evidence is currently insufficient to determine the role of this variant in disease. Therefore, it has been classified as a Variant of Uncertain Significance.

All of Us Research Program, National Institutes of Health
Classification: Uncertain significance for Wilms tumor 1. Last evaluated: 2024-07-10. Review status: criteria provided, single submitter. Criteria: ACMG Guidelines, 2015. Collection method: clinical testing. Allele origin: germline. Inheritance: Autosomal dominant inheritance. Observed: 2 variant alleles, 2 heterozygotes.
Comment: This variant replaces glycine with arginine at codon 229 in the WT1 protein. Computational prediction is inconclusive regarding the impact of this variant on protein structure and function (internally defined REVEL score threshold 0.5 < inconclusive < 0.7, PMID: 27666373). To our knowledge, functional studies have not been reported for this variant. This variant has not been reported in individuals affected with WT1-related disorders in the literature. This variant has been identified in 1/250714 chromosomes in the general population by the Genome Aggregation Database (gnomAD). The available evidence is insufficient to determine the role of this variant in disease conclusively. Therefore, this variant is classified as a Variant of Uncertain Significance.

This study involves interpretation of variants in research participants for the purpose of population health screening. Participant phenotype was not available at the time of variant classification. Additional details can be found in publication PMID: 35346344, PMCID: PMC8962531

Color Diagnostics, LLC DBA Color Health
Classification: Uncertain significance for Wilms tumor 1. Last evaluated: 2024-03-06. Review status: criteria provided, single submitter. Criteria: ACMG Guidelines, 2015. Collection method: clinical testing. Allele origin: germline.
Comment: This variant replaces glycine with arginine at codon 229 in the WT1 protein. Computational prediction is inconclusive regarding the impact of this variant on protein structure and function. To our knowledge, functional studies have not been reported for this variant. This variant has not been reported in individuals affected with WT1-related disorders in the literature. This variant has been identified in 1/250714 chromosomes in the general population by the Genome Aggregation Database (gnomAD). The available evidence is insufficient to determine the role of this variant in disease conclusively. Therefore, this variant is classified as a Variant of Uncertain Significance.

Baylor Genetics
Classification: Uncertain significance for Drash syndrome. Last evaluated: 2023-06-05. Review status: criteria provided, single submitter. Criteria: ACMG Guidelines, 2015. Collection method: clinical testing. Allele origin: unknown.

GeneDx
Classification: Uncertain significance. Last evaluated: 2022-11-22. Review status: criteria provided, single submitter. Criteria: GeneDx Variant Classification Process June 2021. Collection method: clinical testing. Allele origin: germline. Affected: yes.
Comment: Not observed at significant frequency in large population cohorts (gnomAD); In silico analysis supports that this missense variant has a deleterious effect on protein structure/function; Has not been previously published as pathogenic or benign to our knowledge; This variant is associated with the following publications: (PMID: 8486616)

NM_024426.6(WT1):c.700G>C (p.Gly234Arg)

Gene: WT1 (WT1 transcription factor; minus strand). Cytogenetic location: 11p13.
Variant type: single nucleotide variant.
Coding change: c.700G>C on transcript NM_024426.6 (MANE Select); coding-DNA position 700, G replaced by C.
Protein change: p.Gly234Arg; replaces glycine 234 with arginine.
Molecular consequence: missense variant. On other transcripts: non-coding transcript variant (1).
Genome position (GRCh38, 1-based): chr11:32,428,581, C>G on the plus strand (G>C on the coding strand, the complement: WT1 is on the minus strand). VCF-style: chr11-32428581-C-G. GRCh37 (hg19) VCF-style: chr11-32450127-C-G.
Other names: c.700G>C, p.Gly234Arg (NM_000378.6, NM_001407044.1, NM_001407045.1 and 4 more transcripts); c.49G>C, p.Gly17Arg (NM_001198551.2, NM_001198552.2); c.-63G>C (NM_001407051.1); c.685G>C, p.Gly229Arg (NM_024425.2); short protein forms G17R, G234R.
Identifiers: ClinVar variation 476716 (VCV000476716.18), dbSNP rs1307992683, ClinGen allele CA379963498.